The following is an entry in ClinVar:

NM_017636.4(TRPM4):c.1744G>A (p.Gly582Ser)

Genes: HRC (histidine rich calcium binding protein; minus strand), TRPM4 (transient receptor potential cation channel subfamily M member 4; plus strand). Cytogenetic location: 19q13.33.
Variant type: single nucleotide variant.
Coding change: c.1744G>A on transcript NM_017636.4 (MANE Select); coding-DNA position 1744, G replaced by A.
Protein change: p.Gly582Ser; replaces glycine 582 with serine.
Molecular consequence: missense variant.
Genome position (GRCh38, 1-based): chr19:49,188,641, G>A. VCF-style: chr19-49188641-G-A. GRCh37 (hg19) VCF-style: chr19-49691898-G-A.
Other names: c.1744G>A, p.Gly582Ser (NM_001195227.2); c.1399G>A, p.Gly467Ser (NM_001321281.2); c.136G>A, p.Gly46Ser (NM_001321282.2); c.1222G>A, p.Gly408Ser (NM_001321283.2); c.682G>A, p.Gly228Ser (NM_001321285.2); short protein forms G582S, G228S, G46S, G408S, G467S.
Identifiers: ClinVar variation 35486 (VCV000035486.47), dbSNP rs172149856, ClinGen allele CA250715.

ClinVar aggregate classification (germline): Conflicting classifications of pathogenicity. Review status: criteria provided, conflicting classifications (1 of 4 stars). 14 submissions from 14 submitters: Uncertain significance (4); Benign (1); Likely benign (5). 4 of the submissions do not count toward it. Last evaluated 2026-04-01.

Conditions:
Cardiovascular phenotype. Identifiers: MedGen CN230736.
Progressive familial heart block, type 1A (PFHB1A). Also called: HEART BLOCK, PROGRESSIVE FAMILIAL, TYPE I; Heart block, progressive, type IA; Heart block progressive familial type 1; Cardiac conduction defect progressive; PROGRESSIVE FAMILIAL HEART BLOCK, TYPE IA; HEREDITARY BUNDLE BRANCH SYSTEM DEFECT. Identifiers: Orphanet 871, MedGen C1879286, MONDO:0007240, OMIM 113900.
Progressive familial heart block type IB (PFHB1B). Identifiers: Orphanet 871, MedGen C1970298, MONDO:0011474, OMIM 604559.

Allele frequency attached by ClinVar (database versions not stated): 1000 Genomes Project 0.00040; gnomAD 0.00043 and 0.00049; 1000 Genomes Project 30x 0.00047; gnomAD exomes 0.00051; ExAC 0.00053; TOPMed 0.00067; ESP Exome Variant Server 0.00069.
gnomAD v4.1: 604 of 1,614,184 alleles (0.037%); highest among the groups gnomAD compares: Middle Eastern, 1.9%; 7 homozygotes.

Submissions (14):

CeGaT Center for Human Genetics Tuebingen
Classification: Likely benign. Last evaluated: 2026-04-01. Review status: criteria provided, single submitter. Criteria: CeGaT Center For Human Genetics Tuebingen Variant Classification Criteria Version 2. Collection method: clinical testing. Allele origin: germline. Affected: yes. Observed: 2 variant alleles.
Comment: TRPM4: BS1

Labcorp Genetics (formerly Invitae), Labcorp
Classification: Likely benign for Progressive familial heart block type IB. Last evaluated: 2026-01-31. Review status: criteria provided, single submitter. Criteria: Invitae Variant Classification Sherloc (09022015). Collection method: clinical testing. Allele origin: germline.

Blueprint Genetics
Classification: Likely benign. Last evaluated: 2024-10-24. Review status: criteria provided, single submitter. Criteria: ACMG Guidelines, 2015. Collection method: clinical testing. Allele origin: germline.

Women's Health and Genetics/Laboratory Corporation of America, LabCorp
Classification: Likely benign. Last evaluated: 2024-07-21. Review status: criteria provided, single submitter. Criteria: LabCorp Variant Classification Summary - May 2015. Collection method: clinical testing. Allele origin: germline.

ARUP Laboratories, Molecular Genetics and Genomics, ARUP Laboratories
Classification: Uncertain significance. Last evaluated: 2022-03-17. Review status: criteria provided, single submitter. Criteria: ARUP Molecular Germline Variant Investigation Process 2021. Collection method: clinical testing. Allele origin: germline.
Comment: The p.Gly582Ser variant (rs172149856) has been previously reported in a cardiac conductive block patient who also carried the p.Ala432Thr variant but this variant has not been reported alone (Stallmeyer et al 2012). This variant is listed in the NHLBI GO Exome Sequencing Project with an overall population frequency of 0.07 percent and is listed in the Exome Aggregation Consortium Browser with an overall population frequency of 0.05 percent. The glycine at position 582 is moderately conserved (considering 15 species, Alamut v2.7.1) and computational analyses of the effects of the p.Gly582Ser variant on protein structure and function predict this variant to be benign (SIFT: tolerated, MutationTaster: polymorphism, PolyPhen-2: benign). Because the p.Gly582Ser variant has not been observed without the p.Ala432Thr variant there is not enough evidence to classify this variant with certainty. Pathogenic variants of TRPM4 are inherited in an autosomal dominant manner and are associated with progressive familial heart block, type IB (MIM: 604599).

GeneDx
Classification: Likely benign. Last evaluated: 2020-03-31. Review status: criteria provided, single submitter. Criteria: GeneDx Variant Classification Process June 2021. Collection method: clinical testing. Allele origin: germline. Affected: yes.
Comment: This variant is associated with the following publications: (PMID: 21887725, 22750058, 26350513, 23382873, 27884173, 27207958, 28341588, 26820365)

Mendelics
Classification: Uncertain significance for Progressive familial heart block, type 1A. Last evaluated: 2019-05-28. Review status: criteria provided, single submitter. Criteria: Mendelics Assertion Criteria 2017. Collection method: clinical testing. Allele origin: unknown.

Ambry Genetics
Classification: Benign for Cardiovascular phenotype. Last evaluated: 2018-12-03. Review status: criteria provided, single submitter. Criteria: Ambry Variant Classification Scheme 2023. Collection method: clinical testing. Allele origin: germline.

Clinical Genetics DNA and cytogenetics Diagnostics Lab, Erasmus MC, Erasmus Medical Center
Classification: Uncertain significance for Progressive familial heart block type IB. Last evaluated: 2017-11-07. Review status: criteria provided, single submitter. Criteria: ACGS Guidelines, 2013. Collection method: clinical testing. Allele origin: germline. Affected: yes. Study: VKGL Data-share Consensus.

Illumina Laboratory Services, Illumina
Classification: Uncertain significance for Progressive familial heart block type IB. Last evaluated: 2017-04-27. Review status: criteria provided, single submitter. Criteria: ICSL Variant Classification Criteria 13 December 2019. Collection method: clinical testing. Allele origin: germline.
Comment: This variant was observed as part of a predisposition screen in an ostensibly healthy population. A literature search was performed for the gene, cDNA change, and amino acid change (where applicable). Publications were found based on this search. However, the evidence from the literature, in combination with allele frequency data from public databases where available, was not sufficient to rule this variant in or out of causing disease. Therefore, this variant is classified as a variant of unknown significance.

OMIM
Classification: Pathogenic for PROGRESSIVE FAMILIAL HEART BLOCK, TYPE IB. Last evaluated: 2012-01-01. Review status: no assertion criteria provided. Collection method: literature only. Allele origin: germline. Not counted in ClinVar's aggregate classification.

Clinical Genetics, Academic Medical Center
Classification: Uncertain significance. Review status: no assertion criteria provided. Collection method: clinical testing. Allele origin: germline. Affected: yes. Study: VKGL Data-share Consensus. Not counted in ClinVar's aggregate classification.

Joint Genome Diagnostic Labs from Nijmegen and Maastricht, Radboudumc and MUMC+
Classification: Uncertain significance. Review status: no assertion criteria provided. Collection method: clinical testing. Allele origin: germline. Affected: yes. Study: VKGL Data-share Consensus. Not counted in ClinVar's aggregate classification.

Laboratory of Diagnostic Genome Analysis, Leiden University Medical Center (LUMC)
Classification: Uncertain significance. Review status: no assertion criteria provided. Collection method: clinical testing. Allele origin: germline. Affected: yes. Study: VKGL Data-share Consensus. Not counted in ClinVar's aggregate classification.

Literature cited by the submitters: PubMed 21887725 (cited by 3 submitters); PubMed 26350513 (cited by Ambry Genetics); PubMed 26820365 (cited by Ambry Genetics); PubMed 27207958 (cited by Ambry Genetics).